The following is an entry in ClinVar:

NM_181523.3(PIK3R1):c.580C>G (p.Pro194Ala)

Gene: PIK3R1 (phosphoinositide-3-kinase regulatory subunit 1; plus strand). Cytogenetic location: 5q13.1.
Variant type: single nucleotide variant.
Coding change: c.580C>G on transcript NM_181523.3 (MANE Select); coding-DNA position 580, C replaced by G.
Protein change: p.Pro194Ala; replaces proline 194 with alanine.
Molecular consequence: missense variant.
Genome position (GRCh38, 1-based): chr5:68,279,679, C>G. VCF-style: chr5-68279679-C-G. GRCh37 (hg19) VCF-style: chr5-67575507-C-G.
Other names: short protein forms P194A.
Identifiers: ClinVar variation 2933671 (VCV002933671.3), dbSNP rs781181630, ClinGen allele CA3290079.

ClinVar aggregate classification (germline): Uncertain significance (1 of 4 stars; one submission).

Conditions:
SHORT syndrome. Also called: LIPODYSTROPHY, PARTIAL, WITH RIEGER ANOMALY AND SHORT STATURE; PIK3R1-Related SHORT Syndrome; SHORT STATURE, HYPEREXTENSIBILITY, HERNIA, OCULAR DEPRESSION, RIEGER ANOMALY, AND TEETHING DELAY. Identifiers: Orphanet 3163, MedGen C0878684, MONDO:0010026, OMIM 269880.
Agammaglobulinemia 7, autosomal recessive (AGM7). Also called: AGAMMAGLOBULINEMIA, AUTOSOMAL RECESSIVE, DUE TO PIK3R1 DEFECT. Identifiers: MedGen C3554689, MONDO:0014083, OMIM 615214.
Immunodeficiency 36 with lymphoproliferation. Also called: Immunodeficiency 36; ACTIVATED PI3K-DELTA SYNDROME 2; Activated PI3K Delta Syndrome Type 2 (APDS2). Identifiers: Orphanet 397596, Orphanet 693681, MedGen C4014934, MONDO:0014453, OMIM 616005.

Allele frequency attached by ClinVar (database versions not stated): ExAC 0.00001; TOPMed 0.00001.
gnomAD v4.1: 8 of 1,614,144 alleles (0.0005%); highest among the groups gnomAD compares: South Asian, 0.0077%; no homozygotes.

Submission:

Labcorp Genetics (formerly Invitae), Labcorp
Classification: Uncertain significance for SHORT syndrome; Immunodeficiency 36 with lymphoproliferation; Agammaglobulinemia 7, autosomal recessive. Last evaluated: 2023-03-14. Review status: criteria provided, single submitter. Criteria: Invitae Variant Classification Sherloc (09022015). Collection method: clinical testing. Allele origin: germline.
Comment: In summary, the available evidence is currently insufficient to determine the role of this variant in disease. Therefore, it has been classified as a Variant of Uncertain Significance. An algorithm developed to predict the effect of missense changes on protein structure and function (PolyPhen-2) suggests that this variant is likely to be tolerated. This variant has not been reported in the literature in individuals affected with PIK3R1-related conditions. This variant is present in population databases (rs781181630, gnomAD 0.006%). This sequence change replaces proline, which is neutral and non-polar, with alanine, which is neutral and non-polar, at codon 194 of the PIK3R1 protein (p.Pro194Ala).